The following is an entry in ClinVar:

ClinVar aggregate classification (germline): Uncertain significance. Review status: criteria provided, multiple submitters, no conflicts (2 of 4 stars). 2 submissions from 2 submitters: Uncertain significance (2). Last evaluated 2022-06-15.

Conditions:
Inborn genetic diseases. Identifiers: MedGen C0950123, MeSH D030342.

Allele frequency attached by ClinVar (database versions not stated): 1000 Genomes Project 0.00020; 1000 Genomes Project 30x 0.00031.
gnomAD v4.1: 92 of 1,582,446 alleles (0.0058%); highest among the groups gnomAD compares: South Asian, 0.046%; no homozygotes.

Submissions (2):

Labcorp Genetics (formerly Invitae), Labcorp
Classification: Uncertain significance. Last evaluated: 2022-06-15. Review status: criteria provided, single submitter. Criteria: Invitae Variant Classification Sherloc (09022015). Collection method: clinical testing. Allele origin: germline.
Comment: This sequence change replaces arginine, which is basic and polar, with leucine, which is neutral and non-polar, at codon 143 of the DOCK6 protein (p.Arg143Leu). This variant is present in population databases (rs371409446, gnomAD 0.04%). This variant has not been reported in the literature in individuals affected with DOCK6-related conditions. Algorithms developed to predict the effect of missense changes on protein structure and function (SIFT, PolyPhen-2, Align-GVGD) all suggest that this variant is likely to be tolerated. In summary, the available evidence is currently insufficient to determine the role of this variant in disease. Therefore, it has been classified as a Variant of Uncertain Significance.

Ambry Genetics
Classification: Uncertain significance for Inborn genetic diseases. Last evaluated: 2021-03-22. Review status: criteria provided, single submitter. Criteria: Ambry Variant Classification Scheme 2023. Collection method: clinical testing. Allele origin: germline.
Comment: The c.428G>T (p.R143L) alteration is located in exon 5 (coding exon 5) of the DOCK6 gene. This alteration results from a G to T substitution at nucleotide position 428, causing the arginine (R) at amino acid position 143 to be replaced by a leucine (L). The p.R143L alteration is predicted to be tolerated by in silico analysis. Based on insufficient or conflicting evidence, the clinical significance of this alteration remains unclear.

NM_020812.4(DOCK6):c.428G>T (p.Arg143Leu)

Gene: DOCK6 (dedicator of cytokinesis 6; minus strand). Cytogenetic location: 19p13.2.
Variant type: single nucleotide variant.
Coding change: c.428G>T on transcript NM_020812.4 (MANE Select); coding-DNA position 428, G replaced by T.
Protein change: p.Arg143Leu; replaces arginine 143 with leucine.
Molecular consequence: missense variant.
Genome position (GRCh38, 1-based): chr19:11,252,198, C>A on the plus strand (G>T on the coding strand, the complement: DOCK6 is on the minus strand). VCF-style: chr19-11252198-C-A. GRCh37 (hg19) VCF-style: chr19-11362874-C-A.
Other names: c.428G>T, p.Arg143Leu (NM_001367830.1); c.428G>T (NM_020812.2); short protein forms R143L.
Identifiers: ClinVar variation 1436248 (VCV001436248.6), dbSNP rs371409446, ClinGen allele CA9208497.